The following is an entry in ClinVar:

ClinVar aggregate classification (germline): Conflicting classifications of pathogenicity. Review status: criteria provided, conflicting classifications (1 of 4 stars). 5 submissions from 5 submitters: Pathogenic (1); Likely pathogenic (1); Uncertain significance (2). 1 of the submissions does not count toward it. Last evaluated 2025-05-13.

Conditions:
Citrullinemia, type II, adult-onset (CDAA). Also called: CITRIN DEFICIENCY, ADOLESCENT OR ADULT ONSET. Identifiers: Orphanet 247585, MedGen CN295299, MONDO:0011326, OMIM 603471.
Citrullinemia. Identifiers: Orphanet 187, MedGen C0175683, MONDO:0015991.
Neonatal intrahepatic cholestasis due to citrin deficiency (CDNI). Also called: CITRIN DEFICIENCY, NEONATAL OR INFANTILE ONSET; Neonatal-onset citrullinemia type II; Neonatal-onset citrullinemia type 2; Neonatal Intrahepatic Cholestasis Caused by Citrin Deficiency (NICCD). Identifiers: Orphanet 247598, MedGen C1853942, MONDO:0011601, OMIM 605814.
Citrin deficiency. Identifiers: Orphanet 247582, MedGen C1997910, MONDO:0016602.

Submissions (5):

Women's Health and Genetics/Laboratory Corporation of America, LabCorp
Classification: Uncertain significance. Last evaluated: 2025-05-13. Review status: criteria provided, single submitter. Criteria: LabCorp Variant Classification Summary - May 2015. Collection method: clinical testing. Allele origin: germline.
Comment: Variant summary: SLC25A13 c.135G>C (p.Leu45Phe) results in a non-conservative amino acid change in the encoded protein sequence. Algorithms developed to predict the effect of missense changes on protein structure and function all suggest that this variant is likely to be disruptive. The variant was absent in 249526 control chromosomes (gnomAD). c.135G>C has been observed in individuals affected with Citrullinemia Type II (Lin_2020, Nguyen_2023, Sun_2023). To our knowledge, no experimental evidence demonstrating an impact on protein function has been reported. The following publications have been ascertained in the context of this evaluation (PMID: 31845334, 36599957, 37146272). ClinVar contains an entry for this variant (Variation ID: 849656). Based on the evidence outlined above, the variant was classified as VUS-possibly pathogenic.

Labcorp Genetics (formerly Invitae), Labcorp
Classification: Uncertain significance for Citrin deficiency. Last evaluated: 2024-04-15. Review status: criteria provided, single submitter. Criteria: Invitae Variant Classification Sherloc (09022015). Collection method: clinical testing. Allele origin: germline.
Comment: This sequence change replaces leucine, which is neutral and non-polar, with phenylalanine, which is neutral and non-polar, at codon 45 of the SLC25A13 protein (p.Leu45Phe). This variant is not present in population databases (gnomAD no frequency). This missense change has been observed in individual(s) with citrin deficiency (PMID: 31845334, 36599957, 37146272). In at least one individual the data is consistent with being in trans (on the opposite chromosome) from a pathogenic variant. ClinVar contains an entry for this variant (Variation ID: 849656). Advanced modeling of protein sequence and biophysical properties (such as structural, functional, and spatial information, amino acid conservation, physicochemical variation, residue mobility, and thermodynamic stability) performed at Invitae indicates that this missense variant is expected to disrupt SLC25A13 protein function with a positive predictive value of 80%. In summary, the available evidence is currently insufficient to determine the role of this variant in disease. Therefore, it has been classified as a Variant of Uncertain Significance.

Baylor Genetics
Classification: Likely pathogenic for Citrullinemia, type II, adult-onset. Last evaluated: 2023-12-06. Review status: criteria provided, single submitter. Criteria: ACMG Guidelines, 2015. Collection method: clinical testing. Allele origin: unknown.

Genesolutions, Medical Genetics Institutes, Ho Chi Minh City, Vietnam
Classification: Pathogenic for Neonatal intrahepatic cholestasis due to citrin deficiency. Last evaluated: 2022-06-30. Review status: criteria provided, single submitter. Criteria: ACMG Guidelines, 2015. Collection method: clinical testing. Allele origin: germline. Affected: yes.

Natera, Inc.
Classification: Uncertain significance for Citrullinemia. Last evaluated: 2020-12-28. Review status: no assertion criteria provided. Collection method: clinical testing. Allele origin: germline. Not counted in ClinVar's aggregate classification.

Literature cited by the submitters: PubMed 36599957 (cited by 3 submitters); PubMed 31845334 (cited by Women's Health and Genetics/Laboratory Corporation of America, LabCorp and Labcorp Genetics (formerly Invitae), Labcorp); PubMed 37146272 (cited by Women's Health and Genetics/Laboratory Corporation of America, LabCorp and Labcorp Genetics (formerly Invitae), Labcorp).

NM_014251.3(SLC25A13):c.135G>C (p.Leu45Phe)

Gene: SLC25A13 (solute carrier family 25 member 13; minus strand). Cytogenetic location: 7q21.3.
Variant type: single nucleotide variant.
Coding change: c.135G>C on transcript NM_014251.3 (MANE Select); coding-DNA position 135, G replaced by C.
Protein change: p.Leu45Phe; replaces leucine 45 with phenylalanine.
Molecular consequence: missense variant. On other transcripts: non-coding transcript variant (1).
Genome position (GRCh38, 1-based): chr7:96,277,273, C>G on the plus strand (G>C on the coding strand, the complement: SLC25A13 is on the minus strand). VCF-style: chr7-96277273-C-G. GRCh37 (hg19) VCF-style: chr7-95906585-C-G.
Other names: c.135G>C, p.Leu45Phe (NM_001160210.2); short protein forms L45F.
Identifiers: ClinVar variation 849656 (VCV000849656.38), dbSNP rs1798490375, ClinGen allele CA368406609.